The following is an entry in ClinVar:

ClinVar aggregate classification (germline): Conflicting classifications of pathogenicity. Review status: criteria provided, conflicting classifications (1 of 4 stars). 6 submissions from 6 submitters: Pathogenic (2); Likely pathogenic (2); Uncertain significance (2). Last evaluated 2026-09-21.

Conditions:
Tubulinopathy. Also called: Tubulinopathies. Identifiers: MedGen CN850169, MONDO:0100153.
TUBA1A-related disorder. Also called: TUBA1A-related condition.
Lissencephaly due to TUBA1A mutation (CDCBM16). Also called: Lissencephaly 3; CORTICAL DYSPLASIA, COMPLEX, WITH OTHER BRAIN MALFORMATIONS 16. Identifiers: Orphanet 171680, MedGen C4305153, MONDO:0012703, OMIM 611603.

Allele frequency attached by ClinVar (database versions not stated): gnomAD exomes below 0.00001.
gnomAD v4.1: 1 of 1,614,176 alleles (0.000062%); highest among the groups gnomAD compares: Non-Finnish European, 0.000085%; no homozygotes.

Submissions (6):

PreventionGenetics, part of Exact Sciences
Classification: Likely pathogenic for TUBA1A-related condition. Last evaluated: 2026-09-21. Review status: criteria provided, single submitter. Criteria: ACMG Guidelines, 2015. Collection method: clinical testing. Allele origin: germline.
Comment: The TUBA1A c.53A>G variant is predicted to result in the amino acid substitution p.Asn18Ser. This variant has been reported as de novo in four patients from large cohorts of critically ill infants, and patients with pediatric neurological disorders or prenatal structural anomalies (Meng et al. 2017. PubMed ID: 28973083; Komatsu et al. 2024. PubMed ID: 39433808; Slavotinek et al. 2023. PubMed ID: 37236975). This variant has not been reported in a large population database (gnomAD), indicating this variant is rare. This variant is interpreted as likely pathogenic.

GeneDx
Classification: Pathogenic. Last evaluated: 2023-02-02. Review status: criteria provided, single submitter. Criteria: GeneDx Variant Classification Process June 2021. Collection method: clinical testing. Allele origin: germline. Affected: yes.
Comment: Identified in presumably affected individuals in the published literature, but familial segregation information and clinical information were not included (Hebebrand et al., 2019; Meng et al., 2017); Not observed at significant frequency in large population cohorts (gnomAD); In silico analysis supports that this missense variant has a deleterious effect on protein structure/function; Missense variants in this gene are often considered pathogenic (HGMD); This variant is associated with the following publications: (PMID: 30744660, 28973083)

Labcorp Genetics (formerly Invitae), Labcorp
Classification: Uncertain significance. Last evaluated: 2022-09-13. Review status: criteria provided, single submitter. Criteria: Invitae Variant Classification Sherloc (09022015). Collection method: clinical testing. Allele origin: germline.
Comment: In summary, the available evidence is currently insufficient to determine the role of this variant in disease. Therefore, it has been classified as a Variant of Uncertain Significance. This variant disrupts the p.Asn18 amino acid residue in TUBA1A. Other variant(s) that disrupt this residue have been determined to be pathogenic (Invitae). This suggests that this residue is clinically significant, and that variants that disrupt this residue are likely to be disease-causing. Advanced modeling of protein sequence and biophysical properties (such as structural, functional, and spatial information, amino acid conservation, physicochemical variation, residue mobility, and thermodynamic stability) performed at Invitae indicates that this missense variant is not expected to disrupt TUBA1A protein function. ClinVar contains an entry for this variant (Variation ID: 421567). This missense change has been observed in individual(s) with TUBA1A-related conditions (PMID: 28973083). This variant is not present in population databases (gnomAD no frequency). This sequence change replaces asparagine, which is neutral and polar, with serine, which is neutral and polar, at codon 18 of the TUBA1A protein (p.Asn18Ser).

Genomic Medicine Lab, University of California San Francisco
Classification: Pathogenic for Lissencephaly due to TUBA1A mutation. Last evaluated: 2021-02-18. Review status: criteria provided, single submitter. Criteria: ACMG Guidelines, 2015. Collection method: clinical testing. Allele origin: de novo. Inheritance: Autosomal dominant inheritance. Affected: yes. Study: CSER-P3EGS.

Institute of Human Genetics, FAU Erlangen, Friedrich-Alexander-Universität Erlangen-Nürnberg
Classification: Likely pathogenic for Tubulinopathies. Last evaluated: 2018-07-01. Review status: criteria provided, single submitter. Criteria: ACMG Guidelines, 2015. Collection method: literature only. Allele origin: germline. Affected: yes. Observed: 1 variant allele.
Comment: The c.53A>G, p.(Asn18Ser) variant has been reported as a variant of germline/unknown origin.

Genetic Services Laboratory, University of Chicago
Classification: Uncertain significance. Last evaluated: 2015-09-18. Review status: criteria provided, single submitter. Criteria: ACMG Guidelines, 2015. Collection method: clinical testing. Allele origin: germline. Affected: no.

Literature cited by the submitters: PubMed 28973083 (cited by Labcorp Genetics (formerly Invitae), Labcorp); PubMed 30744660 (cited by Institute of Human Genetics, FAU Erlangen, Friedrich-Alexander-Universität Erlangen-Nürnberg); DOI 10.1101/427948 (cited by Institute of Human Genetics, FAU Erlangen, Friedrich-Alexander-Universität Erlangen-Nürnberg).

NM_006009.4(TUBA1A):c.53A>G (p.Asn18Ser)

Gene: TUBA1A (tubulin alpha 1a; minus strand). Cytogenetic location: 12q13.12.
Variant type: single nucleotide variant.
Coding change: c.53A>G on transcript NM_006009.4 (MANE Select); coding-DNA position 53, A replaced by G.
Protein change: p.Asn18Ser; replaces asparagine 18 with serine.
Molecular consequence: missense variant. On other transcripts: 5 prime UTR variant (1).
Genome position (GRCh38, 1-based): chr12:49,186,784, T>C on the plus strand (A>G on the coding strand, the complement: TUBA1A is on the minus strand). VCF-style: chr12-49186784-T-C. GRCh37 (hg19) VCF-style: chr12-49580567-T-C.
Other names: c.53A>G, p.Asn18Ser (NM_001270399.2); c.-53A>G (NM_001270400.2); short protein forms N18S.
Identifiers: ClinVar variation 421567 (VCV000421567.17), dbSNP rs1064795213, ClinGen allele CA16619552.